The following is an entry in ClinVar:

NM_020750.3(XPO5):c.1589A>G (p.Asp530Gly)

Genes: POLR1C (RNA polymerase I and III subunit C; plus strand), XPO5 (exportin 5; minus strand). Cytogenetic location: 6p21.1.
Variant type: single nucleotide variant.
Coding change: c.1589A>G on transcript NM_020750.3 (MANE Select); coding-DNA position 1589, A replaced by G.
Protein change: p.Asp530Gly; replaces aspartic acid 530 with glycine.
Molecular consequence: missense variant. On other transcripts: non-coding transcript variant (1), intron variant (1).
Genome position (GRCh38, 1-based): chr6:43,551,437, T>C on the plus strand (A>G on the coding strand, the complement: XPO5 is on the minus strand). VCF-style: chr6-43551437-T-C. GRCh37 (hg19) VCF-style: chr6-43519174-T-C.
Other names: c.*42+426T>C (NM_001363658.2); short protein forms D530G.
Identifiers: ClinVar variation 1316590 (VCV001316590.26), dbSNP rs61739889, ClinGen allele CA3826360.

ClinVar aggregate classification (germline): Benign/Likely benign. Review status: criteria provided, multiple submitters, no conflicts (2 of 4 stars). 5 submissions from 5 submitters: Benign (2); Likely benign (3). Last evaluated 2026-07-01.

Allele frequency attached by ClinVar (database versions not stated): 1000 Genomes Project 0.00559; gnomAD exomes 0.00180; gnomAD 0.00660 and 0.00701; TOPMed 0.00815; ExAC 0.00200; 1000 Genomes Project 30x 0.00640; ESP Exome Variant Server 0.00768.
gnomAD v4.1: 2,109 of 1,612,708 alleles (0.13%); highest among the groups gnomAD compares: African/African-American, 2.2%; 18 homozygotes.

Submissions (5):

CeGaT Center for Human Genetics Tuebingen
Classification: Benign. Last evaluated: 2026-07-01. Review status: criteria provided, single submitter. Criteria: CeGaT Center For Human Genetics Tuebingen Variant Classification Criteria Version 2. Collection method: clinical testing. Allele origin: germline. Affected: yes. Observed: 5 variant alleles.
Comment: XPO5: BP4, BS1, BS2

Labcorp Genetics (formerly Invitae), Labcorp
Classification: Benign. Last evaluated: 2026-01-15. Review status: criteria provided, single submitter. Criteria: Invitae Variant Classification Sherloc (09022015). Collection method: clinical testing. Allele origin: germline.

Blueprint Genetics
Classification: Likely benign. Last evaluated: 2024-11-12. Review status: criteria provided, single submitter. Criteria: ACMG Guidelines, 2015. Collection method: clinical testing. Allele origin: germline.

GeneDx
Classification: Likely benign. Last evaluated: 2021-12-16. Review status: criteria provided, single submitter. Criteria: GeneDx Variant Classification Process June 2021. Collection method: clinical testing. Allele origin: germline. Affected: yes.

Breakthrough Genomics
Classification: Likely benign. Review status: criteria provided, single submitter. Criteria: ACMG Guidelines, 2015. Collection method: not provided. Allele origin: germline. Inheritance: Unknown mechanism. Affected: yes.